The following is an entry in ClinVar:

ClinVar aggregate classification (germline): Pathogenic (1 of 4 stars; one submission).

Conditions:
Generalized epilepsy with febrile seizures plus, type 9 (GEFSP9). Also called: GEFS+, TYPE 9. Identifiers: Orphanet 36387, MedGen C4015395, MONDO:0014517, OMIM 616172.

Submission:

Labcorp Genetics (formerly Invitae), Labcorp
Classification: Pathogenic for Generalized epilepsy with febrile seizures plus, type 9. Last evaluated: 2026-01-12. Review status: criteria provided, single submitter. Criteria: Invitae Variant Classification Sherloc (09022015). Collection method: clinical testing. Allele origin: germline.
Comment: This sequence change creates a premature translational stop signal (p.Glu205*) in the STX1B gene. It is expected to result in an absent or disrupted protein product. Loss-of-function variants in STX1B are known to be pathogenic (PMID: 25362483). This variant is not present in population databases (gnomAD no frequency). This variant has not been reported in the literature in individuals affected with STX1B-related conditions. For these reasons, this variant has been classified as Pathogenic.

Literature cited by the submitters: PubMed 25362483.

NM_052874.5(STX1B):c.613G>T (p.Glu205Ter)

Gene: STX1B (syntaxin 1B; minus strand). Cytogenetic location: 16p11.2.
Variant type: single nucleotide variant.
Coding change: c.613G>T on transcript NM_052874.5 (MANE Select); coding-DNA position 613, G replaced by T.
Protein change: p.Glu205Ter; replaces glutamic acid 205 with a stop codon.
Molecular consequence: nonsense.
Genome position (GRCh38, 1-based): chr16:30,993,409, C>A on the plus strand (G>T on the coding strand, the complement: STX1B is on the minus strand). VCF-style: chr16-30993409-C-A. GRCh37 (hg19) VCF-style: chr16-31004730-C-A.
Other names: short protein forms E205*.
Identifiers: ClinVar variation 4735231 (VCV004735231.1).